The following is an entry in ClinVar:

NM_000815.5(GABRD):c.969C>A (p.Ala323=)

Gene: GABRD (gamma-aminobutyric acid type A receptor subunit delta; plus strand). Cytogenetic location: 1p36.33.
Variant type: single nucleotide variant.
Coding change: c.969C>A on transcript NM_000815.5 (MANE Select); coding-DNA position 969, C replaced by A.
Protein change: p.Ala323=; no amino-acid change (alanine 323 retained).
Molecular consequence: synonymous variant.
Genome position (GRCh38, 1-based): chr1:2,029,672, C>A. VCF-style: chr1-2029672-C-A. GRCh37 (hg19) VCF-style: chr1-1961111-C-A.
Identifiers: ClinVar variation 460018 (VCV000460018.8), dbSNP rs146381127, ClinGen allele CA415773724.
Genomic context (GRCh38, chr1:2,029,672, plus strand): 5'-GGCATCAGCCATCAAGGCACTGGACGTCTACTTCTGGATCTGCTATGTCTTCGTGTTTGC[C>A]GCCCTGGTGGAGTACGCCTTTGCTCATTTCAACGCCGACTACAGGAAGAAGCAGAAGGCC-3'
Protein context (NP_000806.2, residues 313-333): YFWICYVFVF[Ala323=]ALVEYAFAHF

ClinVar aggregate classification (germline): Uncertain significance (1 of 4 stars; one submission).

Conditions:
Idiopathic generalized epilepsy. Also called: Generalised epilepsy; EIG. Identifiers: MedGen C0270850, MONDO:0005579, OMIM 600669.

gnomAD v4.1: 1 of 1,613,546 alleles (0.000062%); highest among the groups gnomAD compares: Admixed American, 0.0017%; no homozygotes.

Submission:

Labcorp Genetics (formerly Invitae), Labcorp
Classification: Uncertain significance for Idiopathic generalized epilepsy. Last evaluated: 2023-07-14. Review status: criteria provided, single submitter. Criteria: Invitae Variant Classification Sherloc (09022015). Collection method: clinical testing. Allele origin: germline.
Comment: In summary, the available evidence is currently insufficient to determine the role of this variant in disease. Therefore, it has been classified as a Variant of Uncertain Significance. Algorithms developed to predict the effect of sequence changes on RNA splicing suggest that this variant may create or strengthen a splice site. ClinVar contains an entry for this variant (Variation ID: 460018). This variant has not been reported in the literature in individuals affected with GABRD-related conditions. This variant is present in population databases (no rsID available, gnomAD 0.003%). This sequence change affects codon 323 of the GABRD mRNA. It is a 'silent' change, meaning that it does not change the encoded amino acid sequence of the GABRD protein.